The following is an entry in ClinVar:

ClinVar aggregate classification (germline): Likely benign (0 of 4 stars; one submission).

Conditions:
NDUFS8-related disorder. Also called: NDUFS8-related condition.

Allele frequency attached by ClinVar (database versions not stated): TOPMed 0.00001; gnomAD exomes 0.00002; gnomAD 0.00003; ExAC 0.00004.
gnomAD v4.1: 38 of 1,613,078 alleles (0.0024%); highest among the groups gnomAD compares: Admixed American, 0.013%; no homozygotes.

Submission:

PreventionGenetics, part of Exact Sciences
Classification: Likely benign for NDUFS8-related condition. Last evaluated: 2020-09-28. Review status: no assertion criteria provided. Collection method: clinical testing. Allele origin: germline.
Comment: This variant is classified as likely benign based on ACMG/AMP sequence variant interpretation guidelines (Richards et al. 2015 PMID: 25741868, with internal and published modifications).

NM_002496.4(NDUFS8):c.*10G>A

Gene: NDUFS8 (NADH:ubiquinone oxidoreductase core subunit S8; plus strand). Cytogenetic location: 11q13.2.
Variant type: single nucleotide variant.
Coding change: c.*10G>A on transcript NM_002496.4 (MANE Select); 10 bases downstream of the stop codon, G replaced by A.
Molecular consequence: 3 prime UTR variant.
Genome position (GRCh38, 1-based): chr11:68,036,603, G>A. VCF-style: chr11-68036603-G-A. GRCh37 (hg19) VCF-style: chr11-67804070-G-A.
Identifiers: ClinVar variation 3032814 (VCV003032814.2), dbSNP rs778113424, ClinGen allele CA6146586.